The following is an entry in ClinVar:

NM_001039591.3(USP9X):c.4768G>A (p.Gly1590Ser)

Gene: USP9X (ubiquitin specific peptidase 9 X-linked; plus strand). Cytogenetic location: Xp11.4.
Variant type: single nucleotide variant.
Coding change: c.4768G>A on transcript NM_001039591.3 (MANE Select); coding-DNA position 4768, G replaced by A.
Protein change: p.Gly1590Ser; replaces glycine 1590 with serine.
Molecular consequence: missense variant.
Genome position (GRCh38, 1-based): chrX:41,201,224, G>A. VCF-style: chrX-41201224-G-A. GRCh37 (hg19) VCF-style: chrX-41060477-G-A.
Other names: c.4768G>A, p.Gly1590Ser (NM_001039590.3); short protein forms G1590S.
Identifiers: ClinVar variation 1313923 (VCV001313923.2), dbSNP rs2147201867, ClinGen allele CA412779451.
Genomic context (GRCh38, chrX:41,201,224, plus strand): 5'-TCTGTGATTCAGCAACTCTACATGATTCCTTCCATTAGGAACGGTATTCTTGCCATTGAA[G>A]GCACAGGTAGTGATGTAGATGATGATATGTCTGGGGATGAGAAGCAGGACAATGAGGTAA-3'
Protein context (NP_001034680.2, residues 1580-1600): SIRNGILAIE[Gly1590Ser]TGSDVDDDMS

ClinVar aggregate classification (germline): Uncertain significance (1 of 4 stars; one submission).

Submission:

GeneDx
Classification: Uncertain significance. Last evaluated: 2021-01-13. Review status: criteria provided, single submitter. Criteria: GeneDx Variant Classification Process June 2021. Collection method: clinical testing. Allele origin: germline. Affected: yes.
Comment: Not observed in large population cohorts (Lek et al., 2016); In silico analysis supports that this missense variant has a deleterious effect on protein structure/function; Has not been previously published as pathogenic or benign to our knowledge